The following is an entry in ClinVar:

NM_181882.3(PRX):c.335T>C (p.Val112Ala)

Gene: PRX (periaxin; minus strand). Cytogenetic location: 19q13.2.
Variant type: single nucleotide variant.
Coding change: c.335T>C on transcript NM_181882.3 (MANE Select); coding-DNA position 335, T replaced by C.
Protein change: p.Val112Ala; replaces valine 112 with alanine.
Molecular consequence: missense variant.
Genome position (GRCh38, 1-based): chr19:40,398,666, A>G on the plus strand (T>C on the coding strand, the complement: PRX is on the minus strand). VCF-style: chr19-40398666-A-G. GRCh37 (hg19) VCF-style: chr19-40904573-A-G.
Other names: c.335T>C, p.Val112Ala (NM_020956.2); short protein forms V112A.
Identifiers: ClinVar variation 659846 (VCV000659846.6), dbSNP rs760944190, ClinGen allele CA405901121.
Genomic context (GRCh38, chr19:40,398,666, plus strand): 5'-CTAAGCACGCGTACCAGCTTGGCCACCTTGGCCCGCGGGCCCTTGATCTCGTAGCCAGAC[A>G]CGGTCCCGGGCCGCAGAGCCAGGTCCCCGGTGGGCACAGTGCGCTTCAGGCAGAAGGAGA-3'
Protein context (NP_870998.2, residues 102-122): TGDLALRPGT[Val112Ala]SGYEIKGPRA

ClinVar aggregate classification (germline): Uncertain significance (1 of 4 stars; one submission).

Conditions:
Charcot-Marie-Tooth disease type 4. Also called: Charcot-Marie-Tooth, Type 4; Charcot-Marie-Tooth disease, type IV. Identifiers: Orphanet 64749, MedGen C4082197, MONDO:0018995.

Allele frequency attached by ClinVar (database versions not stated): gnomAD 0.00001.

Submission:

Labcorp Genetics (formerly Invitae), Labcorp
Classification: Uncertain significance for Charcot-Marie-Tooth disease type 4. Last evaluated: 2022-01-14. Review status: criteria provided, single submitter. Criteria: Invitae Variant Classification Sherloc (09022015). Collection method: clinical testing. Allele origin: germline.
Comment: In summary, the available evidence is currently insufficient to determine the role of this variant in disease. Therefore, it has been classified as a Variant of Uncertain Significance. Algorithms developed to predict the effect of missense changes on protein structure and function output the following: SIFT: "Tolerated"; PolyPhen-2: "Benign"; Align-GVGD: "Class C0". The alanine amino acid residue is found in multiple mammalian species, which suggests that this missense change does not adversely affect protein function. ClinVar contains an entry for this variant (Variation ID: 659846). This variant has not been reported in the literature in individuals affected with PRX-related conditions. This variant is not present in population databases (gnomAD no frequency). This sequence change replaces valine, which is neutral and non-polar, with alanine, which is neutral and non-polar, at codon 112 of the PRX protein (p.Val112Ala).